The following is an entry in ClinVar:

NM_000038.6(APC):c.3962_3977delinsCTAGG (p.Ser1321fs)

Gene: APC (APC regulator of Wnt signaling pathway; plus strand). Cytogenetic location: 5q22.2.
Variant type: Indel.
Coding change: c.3962_3977delinsCTAGG on transcript NM_000038.6 (MANE Select); coding-DNA positions 3962 to 3977, GCGAAGTTCCAGCAGT replaced by CTAGG.
Protein change: p.Ser1321fs; shifts the reading frame from serine 1321.
Molecular consequence: frameshift variant.
Genome position (GRCh38, 1-based): chr5:112,839,556-112,839,571, GCGAAGTTCCAGCAGT replaced by CTAGG. VCF-style: chr5-112839556-GCGAAGTTCCAGCAGT-CTAGG. GRCh37 (hg19) VCF-style: chr5-112175253-GCGAAGTTCCAGCAGT-CTAGG.
Other names: c.3962_3977delinsCTAGG, p.Ser1321fs (NM_001127510.3, NM_001354895.2); c.3908_3923delinsCTAGG, p.Ser1303fs (NM_001127511.3); c.4016_4031delinsCTAGG, p.Ser1339fs (NM_001354896.2); c.3992_4007delinsCTAGG, p.Ser1331fs (NM_001354897.2); c.3887_3902delinsCTAGG, p.Ser1296fs (NM_001354898.2); c.3878_3893delinsCTAGG, p.Ser1293fs (NM_001354899.2); c.3839_3854delinsCTAGG, p.Ser1280fs (NM_001354900.2); c.3785_3800delinsCTAGG, p.Ser1262fs (NM_001354901.2); and 16 more; short protein forms S1161fs, S1262fs, S1293fs, S1296fs, S1339fs, S1038fs, S1195fs, S1230fs.
Identifiers: ClinVar variation 2037521 (VCV002037521.4), dbSNP rs2533537767, ClinGen allele CA2580072346.

ClinVar aggregate classification (germline): Pathogenic (1 of 4 stars; one submission).

Conditions:
Familial adenomatous polyposis 1 (FAP1). Also called: POLYPOSIS, ADENOMATOUS INTESTINAL; FAMILIAL ADENOMATOUS POLYPOSIS 1, ATTENUATED. Identifiers: MedGen C2713442, MONDO:0021056, OMIM 175100. Disease mechanism: loss of function.

Submission:

Labcorp Genetics (formerly Invitae), Labcorp
Classification: Pathogenic for Familial adenomatous polyposis 1. Last evaluated: 2021-12-08. Review status: criteria provided, single submitter. Criteria: Invitae Variant Classification Sherloc (09022015). Collection method: clinical testing. Allele origin: germline.
Comment: This variant is expected to disrupt the EB1 and HDLG binding sites, which mediate interactions with the cytoskeleton (PMID: 15311282, 17293347). While functional studies have not been performed to directly test the effect on APC protein function, this suggests that disruption of the C-terminal portion of the protein is functionally important. This sequence change creates a premature translational stop signal (p.Ser1321Thrfs*7) in the APC gene. While this is not anticipated to result in nonsense mediated decay, it is expected to disrupt the last 1523 amino acid(s) of the APC protein. This variant is not present in population databases (gnomAD no frequency). This variant has not been reported in the literature in individuals affected with APC-related conditions. A different truncation (p.Tyr2645Lysfs*14) that lies downstream of this variant has been determined to be pathogenic (PMID: 9824584, 1316610, 27081525, 8381579, 22135120, Invitae). This suggests that deletion of this region of the APC protein is causative of disease. For these reasons, this variant has been classified as Pathogenic.

Literature cited by the submitters: PubMed 15311282; PubMed 17293347; PubMed 9824584; PubMed 1316610; PubMed 27081525; PubMed 8381579; PubMed 22135120.